The following is an entry in ClinVar:

ClinVar aggregate classification (germline): Uncertain significance (1 of 4 stars; one submission).

Submission:

Women's Health and Genetics/Laboratory Corporation of America, LabCorp
Classification: Uncertain significance. Last evaluated: 2026-01-13. Review status: criteria provided, single submitter. Criteria: LabCorp Variant Classification Summary - May 2015. Collection method: clinical testing. Allele origin: germline.
Comment: Variant summary: The variant involves the duplication of exons 1-22 in the STAT2 gene. The exact breakpoint at the 5' end of this variant is unknown, therefore this duplication may extend upstream of the annotated region of this gene. It is predicted to duplicate a segment including the initiation codon, therefore its impact on the encoded protein is unknown. A presumed nomenclature of c.(?_-58)_(2102+1_2103-1)dup has been designated for the purposes of this classification. The variant was absent in 21694 control chromosomes. The available data on variant occurrences in the general population are insufficient to allow any conclusion about variant significance. To our knowledge, no occurrence of c.(?_-58)_(2102+1_2103-1)dup in individuals affected with STAT2-related conditions and no experimental evidence demonstrating its impact on protein function have been reported. No submitters have cited clinical-significance assessments for this variant to ClinVar. Based on the evidence outlined above, the variant was classified as uncertain significance.

NC_000012.11:g.(56737920_56739929)_(56753892_?)dup

Gene: STAT2 (signal transducer and activator of transcription 2; minus strand). Cytogenetic location: 12q13.3.
Variant type: Duplication.
Identifiers: ClinVar variation 4689432 (VCV004689432.1).